The following is an entry in ClinVar:

ClinVar aggregate classification (germline): Benign/Likely benign. Review status: criteria provided, multiple submitters, no conflicts (2 of 4 stars). 14 submissions from 13 submitters: Benign (11); Likely benign (1). 2 of the submissions do not count toward it. Last evaluated 2026-02-04.

Conditions:
Fibromuscular dysplasia, multifocal. Identifiers: MedGen C5543412, MONDO:0859151, OMIM 619329.
Ehlers-Danlos syndrome, classic type, 1 (EDSCL1). Also called: Ehlers-Danlos syndrome, type 1; Ehlers-Danlos Syndrome, Classic Type, COL5A1-Related; EDS I; EHLERS-DANLOS SYNDROME, GRAVIS TYPE; EHLERS-DANLOS SYNDROME, SEVERE CLASSIC TYPE. Identifiers: MedGen C0268335, MONDO:0019567, OMIM 130000.
Ehlers-Danlos syndrome (EDS). Identifiers: Orphanet 98249, MedGen C0013720, MONDO:0020066.
Familial thoracic aortic aneurysm and aortic dissection (TAAD). Also called: Thoracic aortic aneurysms and dissections. Identifiers: Orphanet 91387, MedGen C4707243, MONDO:0019625.

Allele frequency attached by ClinVar (database versions not stated): gnomAD exomes 0.02557 and 0.02771; ExAC 0.02718; 1000 Genomes Project 0.03055; 1000 Genomes Project 30x 0.03154; gnomAD 0.03503 and 0.03652; TOPMed 0.03542; ESP Exome Variant Server 0.04044.
gnomAD v4.1: 45,938 of 1,613,196 alleles (2.8%); highest among the groups gnomAD compares: African/African-American, 6.5%; 793 homozygotes.

Submissions (14):

Labcorp Genetics (formerly Invitae), Labcorp
Classification: Benign for Ehlers-Danlos syndrome, classic type, 1. Last evaluated: 2026-02-04. Review status: criteria provided, single submitter. Criteria: Invitae Variant Classification Sherloc (09022015). Collection method: clinical testing. Allele origin: germline.

Molecular Diagnostic Laboratory for Inherited Cardiovascular Disease, Montreal Heart Institute
Classification: Benign. Last evaluated: 2025-04-09. Review status: criteria provided, single submitter. Criteria: ACMG Guidelines, 2015. Collection method: clinical testing. Allele origin: germline. Affected: no.

Blueprint Genetics
Classification: Benign. Last evaluated: 2024-11-27. Review status: criteria provided, single submitter. Criteria: ACMG Guidelines, 2015. Collection method: clinical testing. Allele origin: germline.

Genome Diagnostics Laboratory, The Hospital for Sick Children
Classification: Benign for Ehlers-Danlos syndrome. Last evaluated: 2022-07-07. Review status: criteria provided, single submitter. Criteria: ACMG Guidelines, 2015. Collection method: clinical testing. Allele origin: germline.

Genome-Nilou Lab
Classification: Benign for Ehlers-Danlos syndrome, classic type, 1. Last evaluated: 2022-03-15. Review status: criteria provided, single submitter. Criteria: ACMG Guidelines, 2015. Collection method: clinical testing. Allele origin: germline. Affected: no.

Genome-Nilou Lab
Classification: Benign for Fibromuscular dysplasia, multifocal. Last evaluated: 2022-03-15. Review status: criteria provided, single submitter. Criteria: ACMG Guidelines, 2015. Collection method: clinical testing. Allele origin: germline. Affected: no.

Mayo Clinic Laboratories, Mayo Clinic
Classification: Benign. Last evaluated: 2017-11-17. Review status: criteria provided, single submitter. Criteria: ACMG Guidelines, 2015. Collection method: clinical testing. Allele origin: germline. Observed: 323 variant alleles.

Women's Health and Genetics/Laboratory Corporation of America, LabCorp
Classification: Benign. Last evaluated: 2017-03-15. Review status: criteria provided, single submitter. Criteria: LabCorp Variant Classification Summary - May 2015. Collection method: clinical testing. Allele origin: germline.
Comment: Variant summary: The c.4560C>T (p.Ile1520=) in COL5A1 gene is a synonymous change that involves a non-conserved nucleotide. 5/5 programs in Alamut predict that this variant does not affect the normal splicing pattern, however no functional studies supporting these predictions were published at the time of evaluation. The variant is present in the control population dataset of ExAC at frequency of 0.02718 (3299 /121364 chrs tested), including numerous homozygous occurrences. This frequency exceeds the estimated maximum allele frequency for a pathogenic allele in this gene (0.000031). The variant of interest has been cited as Benign by multiple reputable databases/clinical laboratories. Taking together, based on the prevalence of this variant in general population the variant was classified as Benign.

Ambry Genetics
Classification: Benign for Familial thoracic aortic aneurysm and aortic dissection. Last evaluated: 2015-01-30. Review status: criteria provided, single submitter. Criteria: Ambry Variant Classification Scheme 2023. Collection method: clinical testing. Allele origin: germline.

GeneDx
Classification: Benign. Last evaluated: 2012-11-29. Review status: criteria provided, single submitter. Criteria: GeneDx Variant Classification (06012015). Collection method: clinical testing. Allele origin: germline. Affected: yes.
Comment: This variant is considered likely benign or benign based on one or more of the following criteria: it is a conservative change, it occurs at a poorly conserved position in the protein, it is predicted to be benign by multiple in silico algorithms, and/or has population frequency not consistent with disease.

Breakthrough Genomics
Classification: Likely benign. Review status: criteria provided, single submitter. Criteria: ACMG Guidelines, 2015. Collection method: not provided. Allele origin: germline. Inheritance: Autosomal dominant inheritance. Affected: yes.

PreventionGenetics, part of Exact Sciences
Classification: Benign. Review status: criteria provided, single submitter. Criteria: ACMG Guidelines, 2015. Collection method: clinical testing. Allele origin: germline.

Clinical Genetics DNA and cytogenetics Diagnostics Lab, Erasmus MC, Erasmus Medical Center
Classification: Benign. Review status: no assertion criteria provided. Collection method: clinical testing. Allele origin: germline. Affected: yes. Study: VKGL Data-share Consensus. Not counted in ClinVar's aggregate classification.

Genome Diagnostics Laboratory, Amsterdam University Medical Center
Classification: Benign. Review status: no assertion criteria provided. Collection method: clinical testing. Allele origin: germline. Affected: yes. Study: VKGL Data-share Consensus. Not counted in ClinVar's aggregate classification.

NM_000093.5(COL5A1):c.4560C>T (p.Ile1520=)

Genes: COL5A1 (collagen type V alpha 1 chain; plus strand), LOC101448202 (uncharacterized LOC101448202; minus strand). Cytogenetic location: 9q34.3.
Variant type: single nucleotide variant.
Coding change: c.4560C>T on transcript NM_000093.5 (MANE Select); coding-DNA position 4560, C replaced by T.
Protein change: p.Ile1520=; no amino-acid change (isoleucine 1520 retained).
Molecular consequence: synonymous variant.
Genome position (GRCh38, 1-based): chr9:134,822,102, C>T. VCF-style: chr9-134822102-C-T. GRCh37 (hg19) VCF-style: chr9-137713948-C-T.
Other names: p.I1520I:ATC>ATT; p.Ile1520=; c.4560C>T, p.Ile1520= (NM_001278074.1).
Identifiers: ClinVar variation 136901 (VCV000136901.30), dbSNP rs2228559, ClinGen allele CA290293.